The following is an entry in ClinVar:

ClinVar aggregate classification (germline): Likely benign (0 of 4 stars; one submission).

Conditions:
AMTN-related disorder. Also called: AMTN-related condition.

Allele frequency attached by ClinVar (database versions not stated): 1000 Genomes Project 30x 0.00109; 1000 Genomes Project 0.00120; gnomAD 0.00208; TOPMed 0.00212; ESP Exome Variant Server 0.00215; ExAC 0.00231; gnomAD exomes 0.00292.

Submission:

PreventionGenetics, part of Exact Sciences
Classification: Likely benign for AMTN-related condition. Last evaluated: 2019-10-15. Review status: no assertion criteria provided. Collection method: clinical testing. Allele origin: germline.
Comment: This variant is classified as likely benign based on ACMG/AMP sequence variant interpretation guidelines (Richards et al. 2015 PMID: 25741868, with internal and published modifications).

NM_212557.4(AMTN):c.263G>A (p.Gly88Glu)

Gene: AMTN (amelotin; plus strand). Cytogenetic location: 4q13.3.
Variant type: single nucleotide variant.
Coding change: c.263G>A on transcript NM_212557.4 (MANE Select); coding-DNA position 263, G replaced by A.
Protein change: p.Gly88Glu; replaces glycine 88 with glutamic acid.
Molecular consequence: missense variant.
Genome position (GRCh38, 1-based): chr4:70,524,930, G>A. VCF-style: chr4-70524930-G-A. GRCh37 (hg19) VCF-style: chr4-71390647-G-A.
Other names: c.260G>A, p.Gly87Glu (NM_001286731.2); short protein forms G87E, G88E.
Identifiers: ClinVar variation 3046216 (VCV003046216.2), dbSNP rs146006787, ClinGen allele CA2951000.
Genomic context (GRCh38, chr4:70,524,930, plus strand): 5'-AGTTAAATCCTGCTGCAGGAATGACACCTGGTACCCAGACCCACCCATTGACCCTGGGAG[G>A]GTTGAATGTACAACAGCAACTGCACCCACATGTAAGTTGAACAGCTGGACCTTAGTTTTA-3'
Protein context (NP_997722.1, residues 78-98): GTQTHPLTLG[Gly88Glu]LNVQQQLHPH